The following is an entry in ClinVar:

NM_002860.4(ALDH18A1):c.1046T>G (p.Val349Gly)

Gene: ALDH18A1 (aldehyde dehydrogenase 18 family member A1; minus strand). Cytogenetic location: 10q24.1.
Variant type: single nucleotide variant.
Coding change: c.1046T>G on transcript NM_002860.4 (MANE Select); coding-DNA position 1046, T replaced by G.
Protein change: p.Val349Gly; replaces valine 349 with glycine.
Molecular consequence: missense variant.
Genome position (GRCh38, 1-based): chr10:95,627,474, A>C on the plus strand (T>G on the coding strand, the complement: ALDH18A1 is on the minus strand). VCF-style: chr10-95627474-A-C. GRCh37 (hg19) VCF-style: chr10-97387231-A-C.
Other names: c.1040T>G, p.Val347Gly (NM_001017423.2, NM_001323415.2); c.713T>G, p.Val238Gly (NM_001323412.2, NM_001323416.2); c.1046T>G, p.Val349Gly (NM_001323413.2, NM_001323414.2); c.941T>G, p.Val314Gly (NM_001323417.2); c.707T>G, p.Val236Gly (NM_001323418.2); c.410T>G, p.Val137Gly (NM_001323419.2); short protein forms V137G, V238G, V347G, V314G, V349G, V236G.
Identifiers: ClinVar variation 1976752 (VCV001976752.5), dbSNP rs2526827079, ClinGen allele CA377703411.
Genomic context (GRCh38, chr10:95,627,474, plus strand): 5'-CCTTGGGACCTTATGAAGAACTATTTACCTGCAGGCTTTACTTCTGAAAAGAAGGTACCA[A>C]CTTTCTTCCCCTCCACAATGTCTGTGATGACGTGCCCAGACACCTTTGGGTGGGTTCCAT-3'
Protein context (NP_002851.2, residues 339-359): VITDIVEGKK[Val349Gly]GTFFSEVKPA

ClinVar aggregate classification (germline): Uncertain significance (1 of 4 stars; one submission).

Conditions:
Cutis laxa, autosomal dominant 3 (ADCL3). Identifiers: Orphanet 90348, MedGen C4225268, MONDO:0014706, OMIM 616603.
Autosomal dominant spastic paraplegia type 9. Identifiers: MedGen C1832669, MONDO:0015091.
de Barsy syndrome. Also called: Cutis laxa-corneal clouding-oligophrenia syndrome. Identifiers: Orphanet 2962, MedGen C0268354, MONDO:0017569.

Allele frequency attached by ClinVar (database versions not stated): gnomAD exomes below 0.00001.
gnomAD v4.1: 1 of 1,614,140 alleles (0.000062%); highest among the groups gnomAD compares: Non-Finnish European, 0.000085%; no homozygotes.

Submission:

Labcorp Genetics (formerly Invitae), Labcorp
Classification: Uncertain significance for Autosomal dominant spastic paraplegia type 9; de Barsy syndrome; Cutis laxa, autosomal dominant 3. Last evaluated: 2022-06-30. Review status: criteria provided, single submitter. Criteria: Invitae Variant Classification Sherloc (09022015). Collection method: clinical testing. Allele origin: germline.
Comment: In summary, the available evidence is currently insufficient to determine the role of this variant in disease. Therefore, it has been classified as a Variant of Uncertain Significance. Algorithms developed to predict the effect of missense changes on protein structure and function are either unavailable or do not agree on the potential impact of this missense change (SIFT: "Deleterious"; PolyPhen-2: "Possibly Damaging"; Align-GVGD: "Class C0"). This variant has not been reported in the literature in individuals affected with ALDH18A1-related conditions. This variant is not present in population databases (gnomAD no frequency). This sequence change replaces valine, which is neutral and non-polar, with glycine, which is neutral and non-polar, at codon 349 of the ALDH18A1 protein (p.Val349Gly).